The following is an entry in ClinVar:

ClinVar aggregate classification (germline): Uncertain significance (1 of 4 stars; one submission).

Submission:

GeneDx
Classification: Uncertain significance. Last evaluated: 2024-08-02. Review status: criteria provided, single submitter. Criteria: GeneDx Variant Classification Process June 2021. Collection method: clinical testing. Allele origin: germline. Affected: yes.
Comment: Not observed at significant frequency in large population cohorts (gnomAD); In silico analysis supports that this missense variant has a deleterious effect on protein structure/function; Has not been previously published as pathogenic or benign to our knowledge

NM_000297.4(PKD2):c.2264T>C (p.Ile755Thr)

Gene: PKD2 (polycystin 2, transient receptor potential cation channel; plus strand). Cytogenetic location: 4q22.1.
Variant type: single nucleotide variant.
Coding change: c.2264T>C on transcript NM_000297.4 (MANE Select); coding-DNA position 2264, T replaced by C.
Protein change: p.Ile755Thr; replaces isoleucine 755 with threonine.
Molecular consequence: missense variant. On other transcripts: non-coding transcript variant (1).
Genome position (GRCh38, 1-based): chr4:88,065,785, T>C. VCF-style: chr4-88065785-T-C. GRCh37 (hg19) VCF-style: chr4-88986937-T-C.
Other names: short protein forms I755T.
Identifiers: ClinVar variation 3602416 (VCV003602416.1).